The following is an entry in ClinVar:

NM_000548.5(TSC2):c.878G>A (p.Arg293Lys)

Gene: TSC2 (TSC complex subunit 2; plus strand). Cytogenetic location: 16p13.3.
Variant type: single nucleotide variant.
Coding change: c.878G>A on transcript NM_000548.5 (MANE Select); coding-DNA position 878, G replaced by A.
Protein change: p.Arg293Lys; replaces arginine 293 with lysine.
Molecular consequence: missense variant.
Genome position (GRCh38, 1-based): chr16:2,058,776, G>A. VCF-style: chr16-2058776-G-A. GRCh37 (hg19) VCF-style: chr16-2108777-G-A.
Other names: c.878G>A, p.Arg293Lys (NM_001077183.3, NM_001114382.3, NM_001363528.2 and 3 more transcripts); c.767G>A, p.Arg256Lys (NM_001318827.2); c.731G>A, p.Arg244Lys (NM_001318829.2); c.278G>A, p.Arg93Lys (NM_001318831.2); c.911G>A, p.Arg304Lys (NM_001318832.2); short protein forms R304K, R256K, R293K, R244K, R93K.
Identifiers: ClinVar variation 1522364 (VCV001522364.8), dbSNP rs2151106417, ClinGen allele CA394315085.

ClinVar aggregate classification (germline): Uncertain significance (1 of 4 stars; one submission).

Conditions:
Tuberous sclerosis 2 (TSC2). Identifiers: Orphanet 805, MedGen C1860707, MONDO:0013199, OMIM 613254.

Submission:

Labcorp Genetics (formerly Invitae), Labcorp
Classification: Uncertain significance for Tuberous sclerosis 2. Last evaluated: 2020-12-15. Review status: criteria provided, single submitter. Criteria: Invitae Variant Classification Sherloc (09022015). Collection method: clinical testing. Allele origin: germline.
Comment: In summary, the available evidence is currently insufficient to determine the role of this variant in disease. Therefore, it has been classified as a Variant of Uncertain Significance. This sequence change replaces arginine with lysine at codon 293 of the TSC2 protein (p.Arg293Lys). The arginine residue is highly conserved and there is a small physicochemical difference between arginine and lysine. Advanced modeling of protein sequence and biophysical properties (such as structural, functional, and spatial information, amino acid conservation, physicochemical variation, residue mobility, and thermodynamic stability) performed at Invitae indicates that this missense variant is not expected to disrupt TSC2 protein function. This variant has not been reported in the literature in individuals with TSC2-related conditions. This variant is not present in population databases (ExAC no frequency).